The following is an entry in ClinVar:

ClinVar aggregate classification (germline): Pathogenic (1 of 4 stars; one submission).

Submission:

Labcorp Genetics (formerly Invitae), Labcorp
Classification: Pathogenic. Last evaluated: 2024-02-16. Review status: criteria provided, single submitter. Criteria: Invitae Variant Classification Sherloc (09022015). Collection method: clinical testing. Allele origin: germline.
Comment: This sequence change creates a premature translational stop signal (p.Leu204Valfs*16) in the DLL3 gene. It is expected to result in an absent or disrupted protein product. Loss-of-function variants in DLL3 are known to be pathogenic (PMID: 12746394). This variant is not present in population databases (gnomAD no frequency). This variant has not been reported in the literature in individuals affected with DLL3-related conditions. ClinVar contains an entry for this variant (Variation ID: 2098741). For these reasons, this variant has been classified as Pathogenic.

Literature cited by the submitters: PubMed 12746394.

NM_203486.3(DLL3):c.596_608dup (p.Leu204fs)

Genes: DLL3 (delta like canonical Notch ligand 3; plus strand), LOC130064417 (ATAC-STARR-seq lymphoblastoid silent region 10608; plus strand). Cytogenetic location: 19q13.2.
Variant type: Duplication.
Coding change: c.596_608dup on transcript NM_203486.3 (MANE Select); coding-DNA positions 596 to 608, 13 bases duplicated (GGTGCGGTCCGGG).
Protein change: p.Leu204fs; shifts the reading frame from leucine 204.
Molecular consequence: frameshift variant.
Genome position (GRCh38, 1-based): chr19:39,503,001-39,503,013, GGTGCGGTCCGGG duplicated. VCF-style (leftmost placement, unchanged base first): chr19-39503000-C-CGGTGCGGTCCGGG. GRCh37 (hg19) VCF-style: chr19-39993640-C-CGGTGCGGTCCGGG.
Other names: c.596_608dup, p.Leu204fs (NM_016941.4); short protein forms L204fs.
Identifiers: ClinVar variation 2098741 (VCV002098741.4), dbSNP rs2514644127, ClinGen allele CA2580097224.
Genomic context (GRCh38, chr19:39,503,000, plus strand): 5'-GAGCCGCCTGCCGTCGGGACCGCGTGCACGCGCCTCTGCCGTCCGCGCAGCGCCCCCTCG[C>CGGTGCGGTCCGGG]GGTGCGGTCCGGGACTGCGCCCCTGCGCACCGCTCGAGGACGAATGTGAGGCGCCGCGTG-3'